The following is an entry in ClinVar:

NM_000384.3(APOB):c.4383G>C (p.Trp1461Cys)

Gene: APOB (apolipoprotein B; minus strand). Cytogenetic location: 2p24.1.
Variant type: single nucleotide variant.
Coding change: c.4383G>C on transcript NM_000384.3 (MANE Select); coding-DNA position 4383, G replaced by C.
Protein change: p.Trp1461Cys; replaces tryptophan 1461 with cysteine.
Molecular consequence: missense variant.
Genome position (GRCh38, 1-based): chr2:21,012,485, C>G on the plus strand (G>C on the coding strand, the complement: APOB is on the minus strand). VCF-style: chr2-21012485-C-G. GRCh37 (hg19) VCF-style: chr2-21235357-C-G.
Other names: short protein forms W1461C.
Identifiers: ClinVar variation 2946310 (VCV002946310.3), dbSNP rs2465378733, ClinGen allele CA346007009.

ClinVar aggregate classification (germline): Uncertain significance (1 of 4 stars; one submission).

Conditions:
Familial hypobetalipoproteinemia 1. Also called: APOB-Related Familial Hypobetalipoproteinemia; Hypobetalipoproteinemia, normotriglyceridemic; Acanthocytosis with hypobetalipoproteinemia. Identifiers: MedGen C4551990, MONDO:0014252, OMIM 615558.
Hypercholesterolemia, autosomal dominant, type B (FHCL2). Also called: Familial Hypercholesterolemia Type B; APOLIPOPROTEIN B-100, FAMILIAL DEFECTIVE; APOLIPOPROTEIN B-100, FAMILIAL LIGAND-DEFECTIVE; HYPERCHOLESTEROLEMIA, FAMILIAL, DUE TO LIGAND-DEFECTIVE APOLIPOPROTEIN B; Hyperlipoproteinemia Type IIb; Familial hypercholesterolemia 2. Identifiers: MedGen C1704417, MONDO:0007751, OMIM 144010.

Submission:

Labcorp Genetics (formerly Invitae), Labcorp
Classification: Uncertain significance for Familial hypobetalipoproteinemia 1; Hypercholesterolemia, autosomal dominant, type B. Last evaluated: 2023-09-29. Review status: criteria provided, single submitter. Criteria: Invitae Variant Classification Sherloc (09022015). Collection method: clinical testing. Allele origin: germline.
Comment: This sequence change replaces tryptophan, which is neutral and slightly polar, with cysteine, which is neutral and slightly polar, at codon 1461 of the APOB protein (p.Trp1461Cys). This variant is not present in population databases (gnomAD no frequency). This variant has not been reported in the literature in individuals affected with APOB-related conditions. Advanced modeling of protein sequence and biophysical properties (such as structural, functional, and spatial information, amino acid conservation, physicochemical variation, residue mobility, and thermodynamic stability) performed at Invitae indicates that this missense variant is not expected to disrupt APOB protein function. In summary, the available evidence is currently insufficient to determine the role of this variant in disease. Therefore, it has been classified as a Variant of Uncertain Significance.